The following is an entry in ClinVar:

ClinVar aggregate classification (germline): Uncertain significance (1 of 4 stars; one submission).

Submission:

Labcorp Genetics (formerly Invitae), Labcorp
Classification: Uncertain significance. Last evaluated: 2025-04-27. Review status: criteria provided, single submitter. Criteria: Invitae Variant Classification Sherloc (09022015). Collection method: clinical testing. Allele origin: germline.
Comment: This sequence change replaces serine, which is neutral and polar, with threonine, which is neutral and polar, at codon 323 of the GFAP protein (p.Ser323Thr). This variant is not present in population databases (gnomAD no frequency). This variant has not been reported in the literature in individuals affected with GFAP-related conditions. Invitae Evidence Modeling of protein sequence and biophysical properties (such as structural, functional, and spatial information, amino acid conservation, physicochemical variation, residue mobility, and thermodynamic stability) indicates that this missense variant is not expected to disrupt GFAP protein function with a negative predictive value of 95%. In summary, the available evidence is currently insufficient to determine the role of this variant in disease. Therefore, it has been classified as a Variant of Uncertain Significance.

NM_002055.5(GFAP):c.968G>C (p.Ser323Thr)

Gene: GFAP (glial fibrillary acidic protein; minus strand). Cytogenetic location: 17q21.31.
Variant type: single nucleotide variant.
Coding change: c.968G>C on transcript NM_002055.5 (MANE Select); coding-DNA position 968, G replaced by C.
Protein change: p.Ser323Thr; replaces serine 323 with threonine.
Molecular consequence: missense variant.
Genome position (GRCh38, 1-based): chr17:44,911,395, C>G on the plus strand (G>C on the coding strand, the complement: GFAP is on the minus strand). VCF-style: chr17-44911395-C-G. GRCh37 (hg19) VCF-style: chr17-42988763-C-G.
Other names: c.968G>C, p.Ser323Thr (NM_001131019.3, NM_001242376.3, NM_001363846.2); short protein forms S323T.
Identifiers: ClinVar variation 4770321 (VCV004770321.1).
Genomic context (GRCh38, chr17:44,911,395, plus strand): 5'-GCCATCTCGTCCTTGAGGCTCTGCCCCTCTTCCTCCAGCCGCGCCAGCGCCTCCTGATAA[C>G]TGGCCGCCTCCCGCACGTGCCGCTCCTCCTGCTCGCGCATCTGCCTCTCCAGGGACTCGT-3'
Protein context (NP_002046.1, residues 313-333): QEERHVREAA[Ser323Thr]YQEALARLEE